The following is an entry in ClinVar:

NM_198904.4(GABRG2):c.583C>A (p.His195Asn)

Gene: GABRG2 (gamma-aminobutyric acid type A receptor subunit gamma2; plus strand). Cytogenetic location: 5q34.
Variant type: single nucleotide variant.
Coding change: c.583C>A on transcript NM_198904.4 (MANE Select); coding-DNA position 583, C replaced by A.
Protein change: p.His195Asn; replaces histidine 195 with asparagine.
Molecular consequence: missense variant.
Genome position (GRCh38, 1-based): chr5:162,101,269, C>A. VCF-style: chr5-162101269-C-A. GRCh37 (hg19) VCF-style: chr5-161528275-C-A.
Other names: c.583C>A, p.His195Asn (NM_000816.3, NM_001375340.1, NM_001375341.1 and 4 more transcripts); c.574C>A, p.His192Asn (NM_001375339.1); c.517C>A, p.His173Asn (NM_001375345.1, NM_001375346.1); c.496C>A, p.His166Asn (NM_001375347.1); c.163C>A, p.His55Asn (NM_001375348.1, NM_001375350.1); c.298C>A, p.His100Asn (NM_001375349.1); short protein forms H195N, H100N, H166N, H173N, H192N, H55N.
Identifiers: ClinVar variation 408212 (VCV000408212.9), dbSNP rs981863613, ClinGen allele CA16611840.

ClinVar aggregate classification (germline): Uncertain significance (1 of 4 stars; one submission).

Conditions:
Febrile seizures, familial, 8 (FEB8). Also called: CONVULSIONS, FAMILIAL FEBRILE, 8. Identifiers: Orphanet 36387, MedGen C1969810, MONDO:0011891, OMIM 607681.
EPILEPSY, CHILDHOOD ABSENCE, SUSCEPTIBILITY TO, 2 (ECA2). Identifiers: Orphanet 64280, MedGen C1843244, OMIM 607681.

Allele frequency attached by ClinVar (database versions not stated): gnomAD exomes below 0.00001.
gnomAD v4.1: 1 of 1,611,548 alleles (0.000062%); highest among the groups gnomAD compares: Non-Finnish European, 0.000085%; no homozygotes.

Submission:

Labcorp Genetics (formerly Invitae), Labcorp
Classification: Uncertain significance for Febrile seizures, familial, 8; EPILEPSY, CHILDHOOD ABSENCE, SUSCEPTIBILITY TO, 2. Last evaluated: 2025-12-08. Review status: criteria provided, single submitter. Criteria: Invitae Variant Classification Sherloc (09022015). Collection method: clinical testing. Allele origin: germline.
Comment: This sequence change replaces histidine, which is basic and polar, with asparagine, which is neutral and polar, at codon 195 of the GABRG2 protein (p.His195Asn). This variant is not present in population databases (gnomAD no frequency). This variant has not been reported in the literature in individuals affected with GABRG2-related conditions. ClinVar contains an entry for this variant (Variation ID: 408212). Invitae Evidence Modeling of protein sequence and biophysical properties (such as structural, functional, and spatial information, amino acid conservation, physicochemical variation, residue mobility, and thermodynamic stability) has been performed for this missense variant. However, the output from this modeling did not meet the statistical confidence thresholds required to predict the impact of this variant on GABRG2 protein function. In summary, the available evidence is currently insufficient to determine the role of this variant in disease. Therefore, it has been classified as a Variant of Uncertain Significance.